The following is an entry in ClinVar:

ClinVar aggregate classification (germline): Uncertain significance (1 of 4 stars; one submission).

Conditions:
MHC class II deficiency. Also called: Bare lymphocyte syndrome 2; BLS, TYPE II. Identifiers: Orphanet 572, MedGen C5447452, MONDO:0008855.

Submission:

Labcorp Genetics (formerly Invitae), Labcorp
Classification: Uncertain significance for MHC class II deficiency. Last evaluated: 2024-09-14. Review status: criteria provided, single submitter. Criteria: Invitae Variant Classification Sherloc (09022015). Collection method: clinical testing. Allele origin: germline.
Comment: This sequence change replaces phenylalanine, which is neutral and non-polar, with leucine, which is neutral and non-polar, at codon 212 of the CIITA protein (p.Phe212Leu). This variant is not present in population databases (gnomAD no frequency). This variant has not been reported in the literature in individuals affected with CIITA-related conditions. An algorithm developed to predict the effect of missense changes on protein structure and function (PolyPhen-2) suggests that this variant is likely to be tolerated. In summary, the available evidence is currently insufficient to determine the role of this variant in disease. Therefore, it has been classified as a Variant of Uncertain Significance.

NM_000246.4(CIITA):c.636C>G (p.Phe212Leu)

Gene: CIITA (class II major histocompatibility complex transactivator; plus strand). Cytogenetic location: 16p13.13.
Variant type: single nucleotide variant.
Coding change: c.636C>G on transcript NM_000246.4 (MANE Select); coding-DNA position 636, C replaced by G.
Protein change: p.Phe212Leu; replaces phenylalanine 212 with leucine.
Molecular consequence: missense variant. On other transcripts: non-coding transcript variant (1).
Genome position (GRCh38, 1-based): chr16:10,902,665, C>G. VCF-style: chr16-10902665-C-G. GRCh37 (hg19) VCF-style: chr16-10996522-C-G.
Other names: c.639C>G, p.Phe213Leu (NM_001286402.1, NM_001379332.1); c.489C>G, p.Phe163Leu (NM_001286403.2, NM_001379331.1); c.492C>G, p.Phe164Leu (NM_001379330.1); c.636C>G, p.Phe212Leu (NM_001379333.1); c.567C>G, p.Phe189Leu (NM_001379334.1); short protein forms F164L, F189L, F213L, F163L, F212L.
Identifiers: ClinVar variation 3688635 (VCV003688635.2).